The following is an entry in ClinVar:

ClinVar aggregate classification (germline): Uncertain significance. Review status: criteria provided, multiple submitters, no conflicts (2 of 4 stars). 2 submissions from 2 submitters: Uncertain significance (2). Last evaluated 2026-08-06.

Conditions:
Heart defects, congenital, and other congenital anomalies. Also called: PANCREATIC HYPOPLASIA, CONGENITAL, WITH DIABETES MELLITUS AND CONGENITAL HEART DISEASE; Pancreatic hypoplasia-diabetes-congenital heart disease syndrome. Identifiers: Orphanet 2255, MedGen C2931296, MONDO:0010802, OMIM 600001.
Atrioventricular septal defect 5 (AVSD5). Identifiers: MedGen C3280939, MONDO:0013769, OMIM 614474.

Allele frequency attached by ClinVar (database versions not stated): ExAC 0.00006; gnomAD 0.00001; ESP Exome Variant Server 0.00008; TOPMed 0.00002.
gnomAD v4.1: 9 of 1,558,602 alleles (0.00058%); highest among the groups gnomAD compares: Admixed American, 0.0019%; no homozygotes.

Submissions (2):

OLLIN Analises Genomicas, OLLIN
Classification: Uncertain significance for Heart defects, congenital, and other congenital anomalies. Last evaluated: 2026-08-06. Review status: criteria provided, single submitter. Criteria: ACMG Guidelines 2015 PMID 25741868. Collection method: clinical testing. Allele origin: germline. Inheritance: Autosomal dominant inheritance.
Comment: This missense variant, located in exon 3 (of 7), has been reported in ClinVar (accession VCV001519317.8) and in gnomAD with an allele frequency of 0.00058%. However, to our knowledge, it has not been reported in the scientific literature. In silico analysis is inconclusive regarding the impact of this variant. According to the currently available evidence, this variant has been classified as uncertain significance (PM2_P).

Labcorp Genetics (formerly Invitae), Labcorp
Classification: Uncertain significance for Atrioventricular septal defect 5. Last evaluated: 2025-08-25. Review status: criteria provided, single submitter. Criteria: Invitae Variant Classification Sherloc (09022015). Collection method: clinical testing. Allele origin: germline.
Comment: This sequence change replaces asparagine, which is neutral and polar, with lysine, which is basic and polar, at codon 421 of the GATA6 protein (p.Asn421Lys). The frequency data for this variant in the population databases is considered unreliable, as metrics indicate poor data quality at this position in the gnomAD database. This variant has not been reported in the literature in individuals affected with GATA6-related conditions. ClinVar contains an entry for this variant (Variation ID: 1519317). Invitae Evidence Modeling of protein sequence and biophysical properties (such as structural, functional, and spatial information, amino acid conservation, physicochemical variation, residue mobility, and thermodynamic stability) indicates that this missense variant is expected to disrupt GATA6 protein function with a positive predictive value of 80%. In summary, the available evidence is currently insufficient to determine the role of this variant in disease. Therefore, it has been classified as a Variant of Uncertain Significance.

NM_005257.6(GATA6):c.1263C>A (p.Asn421Lys)

Gene: GATA6 (GATA binding protein 6; plus strand). Cytogenetic location: 18q11.2.
Variant type: single nucleotide variant.
Coding change: c.1263C>A on transcript NM_005257.6 (MANE Select); coding-DNA position 1263, C replaced by A.
Protein change: p.Asn421Lys; replaces asparagine 421 with lysine.
Molecular consequence: missense variant.
Genome position (GRCh38, 1-based): chr18:22,177,082, C>A. VCF-style: chr18-22177082-C-A. GRCh37 (hg19) VCF-style: chr18-19757043-C-A.
Other names: short protein forms N421K.
Identifiers: ClinVar variation 1519317 (VCV001519317.9), dbSNP rs375015752, ClinGen allele CA8908940.